The following is an entry in ClinVar:

ClinVar aggregate classification (germline): Uncertain significance (1 of 4 stars; one submission).

Conditions:
Hereditary cancer-predisposing syndrome. Also called: Hereditary Cancer Syndrome; Tumor predisposition; Hereditary neoplastic syndrome; Neoplastic Syndromes, Hereditary. Identifiers: Orphanet 140162, MedGen C0027672, MeSH D009386, MONDO:0015356.

Submission:

Ambry Genetics
Classification: Uncertain significance for Hereditary cancer-predisposing syndrome. Last evaluated: 2024-11-01. Review status: criteria provided, single submitter. Criteria: Ambry Variant Classification Scheme 2023. Collection method: clinical testing. Allele origin: germline.
Comment: The p.R1132I variant (also known as c.3395G>T) is located in coding exon 16 of the MET gene. The arginine at codon 1132 is replaced by isoleucine, an amino acid with similar properties. This change occurs in the first base pair of coding exon 16. This amino acid position is conserved. In addition, this alteration is predicted to be deleterious by in silico analysis. Based on the available evidence, the clinical significance of this variant remains unclear.

NM_000245.4(MET):c.3341G>T (p.Arg1114Ile)

Gene: MET (MET proto-oncogene, receptor tyrosine kinase; plus strand). Cytogenetic location: 7q31.2.
Variant type: single nucleotide variant.
Coding change: c.3341G>T on transcript NM_000245.4 (MANE Select); coding-DNA position 3341, G replaced by T.
Protein change: p.Arg1114Ile; replaces arginine 1114 with isoleucine.
Molecular consequence: missense variant.
Genome position (GRCh38, 1-based): chr7:116,778,776, G>T. VCF-style: chr7-116778776-G-T. GRCh37 (hg19) VCF-style: chr7-116418830-G-T.
Other names: c.3395G>T, p.Arg1132Ile (NM_001127500.3); c.2051G>T, p.Arg684Ile (NM_001324402.2); short protein forms R684I, R1114I, R1132I.
Identifiers: ClinVar variation 3395186 (VCV003395186.1).